The following is an entry in ClinVar:

ClinVar aggregate classification (germline): Uncertain significance. Review status: criteria provided, multiple submitters, no conflicts (2 of 4 stars). 2 submissions from 2 submitters: Uncertain significance (2). Last evaluated 2025-05-15.

Conditions:
Brugada syndrome 8 (BRGDA8). Identifiers: Orphanet 130, MedGen C2751083, MONDO:0013148, OMIM 613123.
Sick sinus syndrome 2, autosomal dominant (SSS2). Also called: ATRIAL FIBRILLATION WITH BRADYARRHYTHMIA; SINUS BRADYCARDIA SYNDROME, FAMILIAL, AUTOSOMAL DOMINANT; SINUS NODE DISEASE, FAMILIAL, AUTOSOMAL DOMINANT; SICK SINUS SYNDROME 2; SICK SINUS SYNDROME 2 WITH OR WITHOUT CARDIAC NONCOMPACTION AND/OR ASCENDING AORTA DILATION. Identifiers: Orphanet 166282, MedGen C1834144, MONDO:0008102, OMIM 163800.
Epilepsy, idiopathic generalized, susceptibility to, 18. Identifiers: MedGen C5561983, MONDO:0030434, OMIM 619521.

Submissions (2):

Labcorp Genetics (formerly Invitae), Labcorp
Classification: Uncertain significance for Brugada syndrome 8. Last evaluated: 2025-05-15. Review status: criteria provided, single submitter. Criteria: Invitae Variant Classification Sherloc (09022015). Collection method: clinical testing. Allele origin: germline.
Comment: This sequence change replaces serine, which is neutral and polar, with cysteine, which is neutral and slightly polar, at codon 1005 of the HCN4 protein (p.Ser1005Cys). This variant is not present in population databases (gnomAD no frequency). This variant has not been reported in the literature in individuals affected with HCN4-related conditions. ClinVar contains an entry for this variant (Variation ID: 1421283). Invitae Evidence Modeling of protein sequence and biophysical properties (such as structural, functional, and spatial information, amino acid conservation, physicochemical variation, residue mobility, and thermodynamic stability) has been performed for this missense variant. However, the output from this modeling did not meet the statistical confidence thresholds required to predict the impact of this variant on HCN4 protein function. In summary, the available evidence is currently insufficient to determine the role of this variant in disease. Therefore, it has been classified as a Variant of Uncertain Significance.

Fulgent Genetics
Classification: Uncertain significance for Sick sinus syndrome 2, autosomal dominant; Brugada syndrome 8; Epilepsy, idiopathic generalized, susceptibility to, 18. Last evaluated: 2021-10-14. Review status: criteria provided, single submitter. Criteria: ACMG Guidelines, 2015. Collection method: clinical testing. Allele origin: unknown.

NM_005477.3(HCN4):c.3014C>G (p.Ser1005Cys)

Gene: HCN4 (hyperpolarization activated cyclic nucleotide gated potassium channel 4; minus strand). Cytogenetic location: 15q24.1.
Variant type: single nucleotide variant.
Coding change: c.3014C>G on transcript NM_005477.3 (MANE Select); coding-DNA position 3014, C replaced by G.
Protein change: p.Ser1005Cys; replaces serine 1005 with cysteine.
Molecular consequence: missense variant.
Genome position (GRCh38, 1-based): chr15:73,323,079, G>C on the plus strand (C>G on the coding strand, the complement: HCN4 is on the minus strand). VCF-style: chr15-73323079-G-C. GRCh37 (hg19) VCF-style: chr15-73615420-G-C.
Other names: short protein forms S1005C.
Identifiers: ClinVar variation 1421283 (VCV001421283.7), dbSNP rs780624939, ClinGen allele CA393086446.
Genomic context (GRCh38, chr15:73,323,079, plus strand): 5'-AGACCTCCTCGGGGAGTAAAGCCTACAGGGGAAGCCCCCCCAGAGGCCCCTGCCACAAGG[G>C]ACGGCGGCTCAGGCTGCCGTGGGGGTGTCTCTGGCGTGCTCAGTGGGCCAGTGGCCAGAC-3'
Protein context (NP_005468.1, residues 995-1015): ETPPRQPEPP[Ser1005Cys]LVAGASGGAS